The following is an entry in ClinVar:

NM_001447.3(FAT2):c.631G>A (p.Val211Ile)

Gene: FAT2 (FAT atypical cadherin 2; minus strand). Cytogenetic location: 5q33.1.
Variant type: single nucleotide variant.
Coding change: c.631G>A on transcript NM_001447.3 (MANE Select); coding-DNA position 631, G replaced by A.
Protein change: p.Val211Ile; replaces valine 211 with isoleucine.
Molecular consequence: missense variant.
Genome position (GRCh38, 1-based): chr5:151,568,301, C>T on the plus strand (G>A on the coding strand, the complement: FAT2 is on the minus strand). VCF-style: chr5-151568301-C-T. GRCh37 (hg19) VCF-style: chr5-150947862-C-T.
Other names: c.631G>A (NM_001447.2); short protein forms V211I.
Identifiers: ClinVar variation 2187802 (VCV002187802.10), dbSNP rs201835676, ClinGen allele CA3522403.

ClinVar aggregate classification (germline): Uncertain significance. Review status: criteria provided, multiple submitters, no conflicts (2 of 4 stars). 3 submissions from 3 submitters: Uncertain significance (3). Last evaluated 2025-11-19.

Allele frequency attached by ClinVar (database versions not stated): gnomAD exomes 0.00006; ESP Exome Variant Server 0.00008; ExAC 0.00009; gnomAD 0.00009; TOPMed 0.00014; 1000 Genomes Project 30x 0.00016; 1000 Genomes Project 0.00020.
gnomAD v4.1: 96 of 1,614,156 alleles (0.0059%); highest among the groups gnomAD compares: Middle Eastern, 0.082%; no homozygotes.

Submissions (3):

Labcorp Genetics (formerly Invitae), Labcorp
Classification: Uncertain significance. Last evaluated: 2025-11-19. Review status: criteria provided, single submitter. Criteria: Invitae Variant Classification Sherloc (09022015). Collection method: clinical testing. Allele origin: germline.
Comment: This sequence change replaces valine, which is neutral and non-polar, with isoleucine, which is neutral and non-polar, at codon 211 of the FAT2 protein (p.Val211Ile). This variant is present in population databases (rs201835676, gnomAD 0.04%). This variant has not been reported in the literature in individuals affected with FAT2-related conditions. ClinVar contains an entry for this variant (Variation ID: 2187802). An algorithm developed to predict the effect of missense changes on protein structure and function (PolyPhen-2) suggests that this variant is likely to be disruptive. In summary, the available evidence is currently insufficient to determine the role of this variant in disease. Therefore, it has been classified as a Variant of Uncertain Significance.

CeGaT Center for Human Genetics Tuebingen
Classification: Uncertain significance. Last evaluated: 2025-09-01. Review status: criteria provided, single submitter. Criteria: CeGaT Center For Human Genetics Tuebingen Variant Classification Criteria Version 2. Collection method: clinical testing. Allele origin: germline. Affected: yes. Observed: 1 variant allele.
Comment: FAT2: PP2, BP4

Ambry Genetics
Classification: Uncertain significance. Last evaluated: 2021-08-02. Review status: criteria provided, single submitter. Criteria: Ambry Variant Classification Scheme 2023. Collection method: clinical testing. Allele origin: germline.